The following is an entry in ClinVar:

ClinVar aggregate classification (germline): Uncertain significance. Review status: criteria provided, multiple submitters, no conflicts (2 of 4 stars). 2 submissions from 2 submitters: Uncertain significance (2). Last evaluated 2022-03-18.

Conditions:
Tay-Sachs disease (TSD). Also called: HEXA Disorders; HEXA DEFICIENCY; Hexosaminidase A Deficiency; GM2 gangliosidosis, type 1; Hexosaminidase alpha-subunit deficiency (variant B); Sphingolipidosis, Tay-Sachs. Identifiers: Orphanet 845, MedGen C0039373, MONDO:0010100, OMIM 272800.

Submissions (2):

Labcorp Genetics (formerly Invitae), Labcorp
Classification: Uncertain significance for Tay-Sachs disease. Last evaluated: 2022-03-18. Review status: criteria provided, single submitter. Criteria: Invitae Variant Classification Sherloc (09022015). Collection method: clinical testing. Allele origin: germline.
Comment: This variant, c.1204_1206del, results in the deletion of 1 amino acid(s) of the HEXA protein (p.Lys402del), but otherwise preserves the integrity of the reading frame. This variant is present in population databases (no rsID available, gnomAD 0.004%). This variant has been observed in individual(s) with Tay-Sachs disease (PMID: 9150157). ClinVar contains an entry for this variant (Variation ID: 554678). Experimental studies and prediction algorithms are not available or were not evaluated, and the functional significance of this variant is currently unknown. In summary, the available evidence is currently insufficient to determine the role of this variant in disease. Therefore, it has been classified as a Variant of Uncertain Significance.

Myriad Genetics, Inc.
Classification: Uncertain significance for Tay-Sachs disease. Last evaluated: 2021-11-16. Review status: criteria provided, single submitter. Criteria: Myriad Women's Health Autosomal Recessive and X-Linked Classification Criteria (2021). Collection method: clinical testing. Allele origin: unknown.
Comment: NM_000520.4(HEXA):c.1204_1206delAAG(K402del) is an in-frame deletion variant classified as a variant of uncertain significance in the context of hexosaminidase A deficiency. K402del has not been observed in cases with relevant disease. Functional assessments of this variant are not available in the literature. K402del has been observed in population frequency databases (gnomAD: NFE <0.001%). In summary, there is insufficient evidence to classify NM_000520.4(HEXA):c.1204_1206delAAG(K402del) as pathogenic or benign. Please note: this variant was assessed in the context of healthy population screening.

Literature cited by the submitters: PubMed 9150157 (cited by Labcorp Genetics (formerly Invitae), Labcorp).

NM_000520.6(HEXA):c.1204_1206del (p.Lys402del)

Gene: HEXA (hexosaminidase subunit alpha; minus strand). Cytogenetic location: 15q23.
Variant type: Deletion.
Coding change: c.1204_1206del on transcript NM_000520.6 (MANE Select); coding-DNA positions 1204 to 1206, 3 bases deleted (AAG; older notation c.1204_1206delAAG).
Protein change: p.Lys402del; deletes lysine 402.
Molecular consequence: inframe deletion.
Genome position (GRCh38, 1-based): chr15:72,346,651-72,346,653, CTT deleted on the plus strand (AAG on the coding strand, the reverse complement: HEXA is on the minus strand); deleting any 3 consecutive bases within chr15:72,346,651-72,346,654 gives the same sequence; the c. name uses the placement nearest the transcript's 3' end. VCF-style (leftmost placement, unchanged base first): chr15-72346650-CCTT-C. GRCh37 (hg19) VCF-style: chr15-72638991-CCTT-C.
Other names: c.1237_1239del, p.Lys413del (NM_001318825.2); short protein forms K402del, K413del.
Identifiers: ClinVar variation 554678 (VCV000554678.10), dbSNP rs1467732394, ClinGen allele CA618961250.
Genomic context (GRCh38, chr15:72,346,650, plus strand): 5'-TCAGGTACCAGGGGGCAGAGAGAAGGGCCCGGAAGCCGGCCTTGGTGACCAGTTCCAGCT[CCTT>C]CATATAGTTCACTGGAATATCCTCTCGCCACACCTGTATGATTGTGTCTGGCTGAATCTG-3'